The following is an entry in ClinVar:

NM_001376.5(DYNC1H1):c.3960+4T>C

Gene: DYNC1H1 (dynein cytoplasmic 1 heavy chain 1; plus strand). Cytogenetic location: 14q32.31.
Variant type: single nucleotide variant.
Coding change: c.3960+4T>C on transcript NM_001376.5 (MANE Select); 4 bases into the intron after coding-DNA position 3960, T replaced by C.
Molecular consequence: intron variant.
Genome position (GRCh38, 1-based): chr14:102,000,148, T>C. VCF-style: chr14-102000148-T-C. GRCh37 (hg19) VCF-style: chr14-102466485-T-C.
Identifiers: ClinVar variation 2913500 (VCV002913500.3), dbSNP rs2503726707, ClinGen allele CA2575627015.

ClinVar aggregate classification (germline): Uncertain significance (1 of 4 stars; one submission).

Conditions:
Charcot-Marie-Tooth disease axonal type 2O. Also called: CHARCOT-MARIE-TOOTH NEUROPATHY, AXONAL, TYPE 2O; CHARCOT-MARIE-TOOTH DISEASE, AXONAL, AUTOSOMAL DOMINANT, TYPE 2O; Charcot-Marie-Tooth Neuropathy Type 2O; Charcot-Marie-Tooth disease, axonal, type 20. Identifiers: Orphanet 284232, MedGen C3280220, MONDO:0013644, OMIM 614228.

Submission:

Labcorp Genetics (formerly Invitae), Labcorp
Classification: Uncertain significance for Charcot-Marie-Tooth disease axonal type 2O. Last evaluated: 2023-08-17. Review status: criteria provided, single submitter. Criteria: Invitae Variant Classification Sherloc (09022015). Collection method: clinical testing. Allele origin: germline.
Comment: In summary, the available evidence is currently insufficient to determine the role of this variant in disease. Therefore, it has been classified as a Variant of Uncertain Significance. Variants that disrupt the consensus splice site are a relatively common cause of aberrant splicing (PMID: 17576681, 9536098). Algorithms developed to predict the effect of sequence changes on RNA splicing suggest that this variant is not likely to affect RNA splicing. This variant has not been reported in the literature in individuals affected with DYNC1H1-related conditions. This variant is not present in population databases (gnomAD no frequency). This sequence change falls in intron 17 of the DYNC1H1 gene. It does not directly change the encoded amino acid sequence of the DYNC1H1 protein. It affects a nucleotide within the consensus splice site.

Literature cited by the submitters: PubMed 17576681; PubMed 9536098.